The following is an entry in ClinVar:

ClinVar aggregate classification (germline): Uncertain significance (1 of 4 stars; one submission).

Conditions:
Townes-Brocks syndrome 2 (TBS2). Identifiers: MedGen C4479534, MONDO:0054582, OMIM 617466.

Allele frequency attached by ClinVar (database versions not stated): gnomAD 0.00001; 1000 Genomes Project 30x 0.00016.

Submission:

Neuberg Centre For Genomic Medicine, NCGM
Classification: Uncertain significance for Townes-Brocks syndrome 2. Review status: criteria provided, single submitter. Criteria: ACMG Guidelines, 2015. Collection method: clinical testing. Allele origin: germline. Inheritance: Autosomal dominant inheritance. Affected: yes.
Comment: The missense c.1703C>T (p.Thr568Met) variant in the DACT1 gene has not been reported previously as a pathogenic variant nor as a benign variant, to our knowledge. This variant is reported with the allele frequency 0% (absent) in the gnomAD Exomes and novel in 1000 Genomes. The amino acid Threonine at position 568 is changed to a Methionine changing protein sequence and it might alter its composition and physico-chemical properties. The amino acid change p.Thr568Met in DACT1 is predicted as conserved by PhyloP across 100 vertebrates. For these reasons, this variant has been classified as Uncertain Significance.

NM_001079520.2(DACT1):c.1703C>T (p.Thr568Met)

Gene: DACT1 (dishevelled binding antagonist of beta catenin 1; plus strand). Cytogenetic location: 14q23.1.
Variant type: single nucleotide variant.
Coding change: c.1703C>T on transcript NM_001079520.2 (MANE Select); coding-DNA position 1703, C replaced by T.
Protein change: p.Thr568Met; replaces threonine 568 with methionine.
Molecular consequence: missense variant. On other transcripts: non-coding transcript variant (5).
Genome position (GRCh38, 1-based): chr14:58,646,437, C>T. VCF-style: chr14-58646437-C-T. GRCh37 (hg19) VCF-style: chr14-59113155-C-T.
Other names: c.1814C>T, p.Thr605Met (NM_016651.6); short protein forms T568M, T605M.
Identifiers: ClinVar variation 3242040 (VCV003242040.1), dbSNP rs1430682606.